The following is an entry in ClinVar:

NM_005120.3(MED12):c.5204G>A (p.Arg1735His)

Gene: MED12 (mediator complex subunit 12; plus strand). Cytogenetic location: Xq13.1.
Variant type: single nucleotide variant.
Coding change: c.5204G>A on transcript NM_005120.3 (MANE Select); coding-DNA position 5204, G replaced by A.
Protein change: p.Arg1735His; replaces arginine 1735 with histidine.
Molecular consequence: missense variant.
Genome position (GRCh38, 1-based): chrX:71,136,459, G>A. VCF-style: chrX-71136459-G-A. GRCh37 (hg19) VCF-style: chrX-70356309-G-A.
Other names: short protein forms R1735H.
Identifiers: ClinVar variation 1746053 (VCV001746053.3), dbSNP rs1304949884, ClinGen allele CA413534456.
Genomic context (GRCh38, chrX:71,136,459, plus strand): 5'-CTCGAGGAGAGGAGCAGCAGCGGTTGCTGCTCTACCACACACACCTGAGGCCCCGGCCCC[G>A]CGCCTATTACCTGGAGCCACTGCCACTGCCCCCAGAAGATGAGGAGCCGCCTGCTCCTAC-3'
Protein context (NP_005111.2, residues 1725-1745): LYHTHLRPRP[Arg1735His]AYYLEPLPLP

ClinVar aggregate classification (germline): Uncertain significance. Review status: criteria provided, multiple submitters, no conflicts (2 of 4 stars). 2 submissions from 2 submitters: Uncertain significance (2). Last evaluated 2025-05-24.

Conditions:
Familial thoracic aortic aneurysm and aortic dissection (TAAD). Also called: Thoracic aortic aneurysms and dissections. Identifiers: Orphanet 91387, MedGen C4707243, MONDO:0019625.

Allele frequency attached by ClinVar (database versions not stated): gnomAD exomes below 0.00001; TOPMed 0.00001.

Submissions (2):

GeneDx
Classification: Uncertain significance. Last evaluated: 2025-05-24. Review status: criteria provided, single submitter. Criteria: GeneDx Variant Classification Process June 2021. Collection method: clinical testing. Allele origin: germline. Affected: yes.
Comment: Not observed at significant frequency in large population cohorts (gnomAD); In silico analysis suggests that this missense variant does not alter protein structure/function; Has not been previously published as pathogenic or benign to our knowledge

Ambry Genetics
Classification: Uncertain significance for Familial thoracic aortic aneurysm and aortic dissection. Last evaluated: 2022-03-17. Review status: criteria provided, single submitter. Criteria: Ambry Variant Classification Scheme 2023. Collection method: clinical testing. Allele origin: germline.
Comment: The p.R1735H variant (also known as c.5204G>A), located in coding exon 37 of the MED12 gene, results from a G to A substitution at nucleotide position 5204. The arginine at codon 1735 is replaced by histidine, an amino acid with highly similar properties. This amino acid position is conserved. In addition, the in silico prediction for this alteration is inconclusive. Since supporting evidence is limited at this time, the clinical significance of this alteration remains unclear.